The following is an entry in ClinVar:

ClinVar aggregate classification (germline): Uncertain significance (1 of 4 stars; one submission).

Conditions:
Chuvash polycythemia. Also called: POLYCYTHEMIA, VHL-DEPENDENT. Identifiers: Orphanet 238557, MedGen C1837915, MONDO:0009892, OMIM 263400.
Von Hippel-Lindau syndrome (VHLS). Also called: von Hippel–Lindau syndrome; Von Hippel-Lindau; VHL syndrome. Identifiers: Orphanet 892, MedGen C0019562, MONDO:0008667, OMIM 193300. Disease mechanism: loss of function.

gnomAD v4.1: 1 of 1,534,816 alleles (0.000065%); highest among the groups gnomAD compares: East Asian, 0.0025%; no homozygotes.

Submission:

Labcorp Genetics (formerly Invitae), Labcorp
Classification: Uncertain significance for Von Hippel-Lindau syndrome; Chuvash polycythemia. Last evaluated: 2023-10-22. Review status: criteria provided, single submitter. Criteria: Invitae Variant Classification Sherloc (09022015). Collection method: clinical testing. Allele origin: germline.
Comment: This sequence change replaces aspartic acid, which is acidic and polar, with glycine, which is neutral and non-polar, at codon 9 of the VHL protein (p.Asp9Gly). This variant is not present in population databases (gnomAD no frequency). This variant has not been reported in the literature in individuals affected with VHL-related conditions. ClinVar contains an entry for this variant (Variation ID: 1402041). Advanced modeling of protein sequence and biophysical properties (such as structural, functional, and spatial information, amino acid conservation, physicochemical variation, residue mobility, and thermodynamic stability) performed at Invitae indicates that this missense variant is not expected to disrupt VHL protein function with a negative predictive value of 95%. In summary, the available evidence is currently insufficient to determine the role of this variant in disease. Therefore, it has been classified as a Variant of Uncertain Significance.

NM_000551.4(VHL):c.26A>G (p.Asp9Gly)

Gene: VHL (von Hippel-Lindau tumor suppressor; plus strand). Cytogenetic location: 3p25.3.
Variant type: single nucleotide variant.
Coding change: c.26A>G on transcript NM_000551.4 (MANE Select); coding-DNA position 26, A replaced by G.
Protein change: p.Asp9Gly; replaces aspartic acid 9 with glycine.
Molecular consequence: missense variant.
Genome position (GRCh38, 1-based): chr3:10,141,873, A>G. VCF-style: chr3-10141873-A-G. GRCh37 (hg19) VCF-style: chr3-10183557-A-G.
Other names: c.26A>G, p.Asp9Gly (NM_001354723.2, NM_198156.3); short protein forms D9G.
Identifiers: ClinVar variation 1402041 (VCV001402041.6), dbSNP rs1060503560, ClinGen allele CA351747074.